The following is an entry in ClinVar:

NM_001005373.4(LRSAM1):c.750+33G>A

Gene: LRSAM1 (leucine rich repeat and sterile alpha motif containing 1; plus strand). Cytogenetic location: 9q33.3.
Variant type: single nucleotide variant.
Coding change: c.750+33G>A on transcript NM_001005373.4 (MANE Select); 33 bases into the intron after coding-DNA position 750, G replaced by A.
Molecular consequence: intron variant.
Genome position (GRCh38, 1-based): chr9:127,473,964, G>A. VCF-style: chr9-127473964-G-A. GRCh37 (hg19) VCF-style: chr9-130236243-G-A.
Other names: NC_000009.11:g.130236243G>A; c.750+33G>A (NM_138361.5, NM_001384142.1, NM_001384143.1 and 2 more transcripts); c.-35+33G>A (NM_001384144.1).
Identifiers: ClinVar variation 670497 (VCV000670497.4), dbSNP rs2250267, ClinGen allele CA5246682.
Genomic context (GRCh38, chr9:127,473,964, plus strand): 5'-ATTCTCAAGGGAGGAGTTAGAGTGGCAGGTAAGACAAGGCAGCCTGCTGCACGCATACAT[G>A]TGTGTGTGTGCGTGTGCATGTATGTGTGTTGAGGGAGCTGGGAATGGAAGGGGGCGGTGG-3'

ClinVar aggregate classification (germline): Benign. Review status: criteria provided, multiple submitters, no conflicts (2 of 4 stars). 3 submissions from 3 submitters: Benign (3). Last evaluated 2018-06-14.

Conditions:
Charcot-Marie-Tooth disease. Also called: Charcot-Marie-Tooth Hereditary Neuropathy; Charcot-Marie-Tooth Neuropathy. Identifiers: Orphanet 166, MedGen C0007959, MONDO:0015626.

Allele frequency attached by ClinVar (database versions not stated): 1000 Genomes Project 30x 0.34931; 1000 Genomes Project 0.35184; TOPMed 0.40319; gnomAD exomes 0.41489 and 0.46173; ExAC 0.42218; gnomAD 0.43195 and 0.43666; ESP Exome Variant Server 0.44695.

Submissions (5):

GeneDx
Classification: Benign. Last evaluated: 2018-06-14. Review status: criteria provided, single submitter. Criteria: GeneDx Variant Classification (06012015). Collection method: clinical testing. Allele origin: germline. Affected: yes.
Comment: This variant is considered likely benign or benign based on one or more of the following criteria: it is a conservative change, it occurs at a poorly conserved position in the protein, it is predicted to be benign by multiple in silico algorithms, and/or has population frequency not consistent with disease.

Breakthrough Genomics
Classification: Benign. Review status: criteria provided, single submitter. Criteria: ACMG Guidelines, 2015. Collection method: not provided. Allele origin: germline. Inheritance: Autosomal dominant inheritance. Affected: yes.

Molecular Genetics Laboratory, London Health Sciences Centre
Classification: Benign for Charcot-Marie-Tooth disease. Review status: criteria provided, single submitter. Criteria: ACMG Guidelines, 2015. Collection method: clinical testing. Allele origin: germline. Affected: yes.

Dr. Peter K. Rogan Lab, Western University
No classification provided (evidence only). Condition: Hepatocellular carcinoma. Review status: no classification provided. Collection method: in vitro. Allele origin: not applicable. Functional consequence: retained intron. Not counted in ClinVar's aggregate classification.

Dr. Peter K. Rogan Lab, Western University
No classification provided (evidence only). Condition: Hepatocellular carcinoma. Review status: no classification provided. Collection method: in vitro. Allele origin: not applicable. Functional consequence: retained intron. Not counted in ClinVar's aggregate classification.